The following is an entry in ClinVar:

ClinVar aggregate classification (germline): Uncertain significance (1 of 4 stars; one submission).

Conditions:
Hajdu-Cheney syndrome (HJCYS). Also called: ACROOSTEOLYSIS WITH OSTEOPOROSIS AND CHANGES IN SKULL AND MANDIBLE; SERPENTINE FIBULA-POLYCYSTIC KIDNEY SYNDROME; Acroosteolysis dominant type. Identifiers: Orphanet 955, MedGen C0917715, MONDO:0007057, OMIM 102500.

Submission:

Labcorp Genetics (formerly Invitae), Labcorp
Classification: Uncertain significance for Hajdu-Cheney syndrome. Last evaluated: 2022-12-22. Review status: criteria provided, single submitter. Criteria: Invitae Variant Classification Sherloc (09022015). Collection method: clinical testing. Allele origin: germline.
Comment: In summary, the available evidence is currently insufficient to determine the role of this variant in disease. Therefore, it has been classified as a Variant of Uncertain Significance. Advanced modeling of protein sequence and biophysical properties (such as structural, functional, and spatial information, amino acid conservation, physicochemical variation, residue mobility, and thermodynamic stability) performed at Invitae indicates that this missense variant is not expected to disrupt NOTCH2 protein function. This variant has not been reported in the literature in individuals affected with NOTCH2-related conditions. This variant is not present in population databases (gnomAD no frequency). This sequence change replaces serine, which is neutral and polar, with cysteine, which is neutral and slightly polar, at codon 2070 of the NOTCH2 protein (p.Ser2070Cys).

NM_024408.4(NOTCH2):c.6208A>T (p.Ser2070Cys)

Gene: NOTCH2 (notch receptor 2; minus strand). Cytogenetic location: 1p12.
Variant type: single nucleotide variant.
Coding change: c.6208A>T on transcript NM_024408.4 (MANE Select); coding-DNA position 6208, A replaced by T.
Protein change: p.Ser2070Cys; replaces serine 2070 with cysteine.
Molecular consequence: missense variant.
Genome position (GRCh38, 1-based): chr1:119,916,514, T>A on the plus strand (A>T on the coding strand, the complement: NOTCH2 is on the minus strand). VCF-style: chr1-119916514-T-A. GRCh37 (hg19) VCF-style: chr1-120459137-T-A.
Other names: short protein forms S2070C.
Identifiers: ClinVar variation 2823285 (VCV002823285.3), dbSNP rs2526108212, ClinGen allele CA341879523.